The following is an entry in ClinVar:

ClinVar aggregate classification (germline): Likely benign. Review status: criteria provided, multiple submitters, no conflicts (2 of 4 stars). 2 submissions from 2 submitters: Likely benign (2). Last evaluated 2024-09-29.

Conditions:
Spastic paraplegia. Identifiers: MedGen C0037772, HP:0001258.

Allele frequency attached by ClinVar (database versions not stated): gnomAD exomes below 0.00001; gnomAD 0.00001; TOPMed 0.00002.
gnomAD v4.1: 3 of 1,614,074 alleles (0.00019%); highest among the groups gnomAD compares: Non-Finnish European, 0.00025%; no homozygotes.

Submissions (2):

Labcorp Genetics (formerly Invitae), Labcorp
Classification: Likely benign for Spastic paraplegia. Last evaluated: 2024-09-29. Review status: criteria provided, single submitter. Criteria: Invitae Variant Classification Sherloc (09022015). Collection method: clinical testing. Allele origin: germline.

GeneDx
Classification: Likely benign. Last evaluated: 2017-01-26. Review status: criteria provided, single submitter. Criteria: GeneDx Variant Classification (06012015). Collection method: clinical testing. Allele origin: germline. Affected: yes.
Comment: This variant is considered likely benign or benign based on one or more of the following criteria: it is a conservative change, it occurs at a poorly conserved position in the protein, it is predicted to be benign by multiple in silico algorithms, and/or has population frequency not consistent with disease.

NM_015346.4(ZFYVE26):c.864G>A (p.Pro288=)

Gene: ZFYVE26 (zinc finger FYVE-type containing 26; minus strand). Cytogenetic location: 14q24.1.
Variant type: single nucleotide variant.
Coding change: c.864G>A on transcript NM_015346.4 (MANE Select); coding-DNA position 864, G replaced by A.
Protein change: p.Pro288=; no amino-acid change (proline 288 retained).
Molecular consequence: synonymous variant.
Genome position (GRCh38, 1-based): chr14:67,807,420, C>T on the plus strand (G>A on the coding strand, the complement: ZFYVE26 is on the minus strand). VCF-style: chr14-67807420-C-T. GRCh37 (hg19) VCF-style: chr14-68274137-C-T.
Identifiers: ClinVar variation 506883 (VCV000506883.9), dbSNP rs1360412471, ClinGen allele CA486971481.